The following is an entry in ClinVar:

NM_006904.7(PRKDC):c.10867C>T (p.Pro3623Ser)

Gene: PRKDC (protein kinase, DNA-activated, catalytic subunit; minus strand). Cytogenetic location: 8q11.21.
Variant type: single nucleotide variant.
Coding change: c.10867C>T on transcript NM_006904.7 (MANE Select); coding-DNA position 10867, C replaced by T.
Protein change: p.Pro3623Ser; replaces proline 3623 with serine.
Molecular consequence: missense variant.
Genome position (GRCh38, 1-based): chr8:47,788,941, G>A on the plus strand (C>T on the coding strand, the complement: PRKDC is on the minus strand). VCF-style: chr8-47788941-G-A. GRCh37 (hg19) VCF-style: chr8-48701502-G-A.
Other names: c.10867C>T, p.Pro3623Ser (NM_001081640.2); short protein forms P3623S.
Identifiers: ClinVar variation 1016298 (VCV001016298.3), dbSNP rs1384543244, ClinGen allele CA371132061.

ClinVar aggregate classification (germline): Uncertain significance (1 of 4 stars; one submission).

Conditions:
Severe combined immunodeficiency due to DNA-PKcs deficiency. Also called: IMMUNODEFICIENCY 26 WITH NEUROLOGIC ABNORMALITIES; Immunodeficiency 26 with or without neurologic abnormalities. Identifiers: Orphanet 317425, MedGen C4014833, MONDO:0014423, OMIM 615966.

Allele frequency attached by ClinVar (database versions not stated): gnomAD exomes below 0.00001; TOPMed 0.00001.
gnomAD v4.1: 6 of 1,610,084 alleles (0.00037%); highest among the groups gnomAD compares: South Asian, 0.0011%; no homozygotes.

Submission:

Labcorp Genetics (formerly Invitae), Labcorp
Classification: Uncertain significance for Severe combined immunodeficiency due to DNA-PKcs deficiency. Last evaluated: 2024-03-07. Review status: criteria provided, single submitter. Criteria: Invitae Variant Classification Sherloc (09022015). Collection method: clinical testing. Allele origin: germline.
Comment: This sequence change replaces proline, which is neutral and non-polar, with serine, which is neutral and polar, at codon 3623 of the PRKDC protein (p.Pro3623Ser). The frequency data for this variant in the population databases is considered unreliable, as metrics indicate poor data quality at this position in the gnomAD database. This variant has not been reported in the literature in individuals affected with PRKDC-related conditions. ClinVar contains an entry for this variant (Variation ID: 1016298). Advanced modeling of protein sequence and biophysical properties (such as structural, functional, and spatial information, amino acid conservation, physicochemical variation, residue mobility, and thermodynamic stability) performed at Invitae indicates that this missense variant is not expected to disrupt PRKDC protein function with a negative predictive value of 80%. In summary, the available evidence is currently insufficient to determine the role of this variant in disease. Therefore, it has been classified as a Variant of Uncertain Significance.